The following is an entry in ClinVar:

ClinVar aggregate classification (germline): Likely pathogenic (1 of 4 stars; one submission).

Allele frequency attached by ClinVar (database versions not stated): gnomAD exomes below 0.00001; TOPMed below 0.00001; gnomAD 0.00001; ExAC 0.00002.
gnomAD v4.1: 7 of 1,600,410 alleles (0.00044%); highest among the groups gnomAD compares: Non-Finnish European, 0.00051%; no homozygotes.

Submission:

Labcorp Genetics (formerly Invitae), Labcorp
Classification: Likely pathogenic. Last evaluated: 2023-12-14. Review status: criteria provided, single submitter. Criteria: Invitae Variant Classification Sherloc (09022015). Collection method: clinical testing. Allele origin: germline.
Comment: This sequence change affects an acceptor splice site in intron 31 of the TG gene. It is expected to disrupt RNA splicing. Variants that disrupt the donor or acceptor splice site typically lead to a loss of protein function (PMID: 16199547), and loss-of-function variants in TG are known to be pathogenic (PMID: 19837936, 23164529). This variant is present in population databases (rs202044661, gnomAD 0.002%). This variant has not been reported in the literature in individuals affected with TG-related conditions. Algorithms developed to predict the effect of sequence changes on RNA splicing suggest that this variant may disrupt the consensus splice site. In summary, the currently available evidence indicates that the variant is pathogenic, but additional data are needed to prove that conclusively. Therefore, this variant has been classified as Likely Pathogenic.

Literature cited by the submitters: PubMed 16199547; PubMed 19837936; PubMed 23164529.

NM_003235.5(TG):c.5864-1G>A

Gene: TG (thyroglobulin; plus strand). Cytogenetic location: 8q24.22.
Variant type: single nucleotide variant.
Coding change: c.5864-1G>A on transcript NM_003235.5 (MANE Select); the canonical splice acceptor site of the intron before coding-DNA position 5864, G replaced by A.
Molecular consequence: splice acceptor variant.
Genome position (GRCh38, 1-based): chr8:132,969,457, G>A. VCF-style: chr8-132969457-G-A. GRCh37 (hg19) VCF-style: chr8-133981702-G-A.
Identifiers: ClinVar variation 2735221 (VCV002735221.3), dbSNP rs202044661, ClinGen allele CA4884666.